The following is an entry in ClinVar:

ClinVar aggregate classification (germline): Uncertain significance. Review status: criteria provided, single submitter (1 of 4 stars). 2 submissions from 2 submitters: Uncertain significance (1). 1 of the submissions does not count toward it. Last evaluated 2022-08-09.

Conditions:
Neu-Laxova syndrome 2. Identifiers: Orphanet 2671, Orphanet 583602, MedGen C4015019, MONDO:0014466, OMIM 616038.

Allele frequency attached by ClinVar (database versions not stated): gnomAD exomes below 0.00001 and 0.00001; TOPMed below 0.00001.
gnomAD v4.1: 3 of 1,611,732 alleles (0.00019%); highest among the groups gnomAD compares: Admixed American, 0.005%; no homozygotes.

Submissions (2):

Labcorp Genetics (formerly Invitae), Labcorp
Classification: Uncertain significance for Neu-Laxova syndrome 2. Last evaluated: 2022-08-09. Review status: criteria provided, single submitter. Criteria: Invitae Variant Classification Sherloc (09022015). Collection method: clinical testing. Allele origin: germline.
Comment: This sequence change replaces threonine, which is neutral and polar, with alanine, which is neutral and non-polar, at codon 56 of the PSAT1 protein (p.Thr56Ala). This variant is present in population databases (no rsID available, gnomAD 0.006%). This variant has not been reported in the literature in individuals affected with PSAT1-related conditions. ClinVar contains an entry for this variant (Variation ID: 976930). Algorithms developed to predict the effect of missense changes on protein structure and function output the following: SIFT: "Tolerated"; PolyPhen-2: "Benign"; Align-GVGD: "Class C0". The alanine amino acid residue is found in multiple mammalian species, which suggests that this missense change does not adversely affect protein function. Experimental studies have shown that this missense change does not substantially affect PSAT1 function (PMID: 32077105). In summary, the available evidence is currently insufficient to determine the role of this variant in disease. Therefore, it has been classified as a Variant of Uncertain Significance.

Dudley Research Group, Pacific Northwest Research Institute
No classification provided. Review status: no classification provided. Collection method: research, in vivo. Allele origin: unknown, not applicable. Functional consequence: functionally_normal. Not counted in ClinVar's aggregate classification.

Literature cited by the submitters: PubMed 32077105 (cited by Labcorp Genetics (formerly Invitae), Labcorp).

NM_058179.4(PSAT1):c.166A>G (p.Thr56Ala)

Gene: PSAT1 (phosphoserine aminotransferase 1; plus strand). Cytogenetic location: 9q21.2.
Variant type: single nucleotide variant.
Coding change: c.166A>G on transcript NM_058179.4 (MANE Select); coding-DNA position 166, A replaced by G.
Protein change: p.Thr56Ala; replaces threonine 56 with alanine.
Molecular consequence: missense variant.
Genome position (GRCh38, 1-based): chr9:78,301,998, A>G. VCF-style: chr9-78301998-A-G. GRCh37 (hg19) VCF-style: chr9-80916914-A-G.
Other names: c.166A>G, p.Thr56Ala (NM_021154.5); short protein forms T56A.
Identifiers: ClinVar variation 976930 (VCV000976930.8), dbSNP rs1465646885, ClinGen allele CA373871913.
Genomic context (GRCh38, chr9:78,301,998, plus strand): 5'-ATCTTTCCTTTCACAGAAATGAGTCACAGGTCATCAGATTTTGCCAAGATTATTAACAAT[A>G]CAGAGAATCTTGTGCGGGAATTGCTGTAAGTTTTAAAAAGACCAAATCATGTTACTTTTG-3'
Protein context (NP_478059.1, residues 46-66): SSDFAKIINN[Thr56Ala]ENLVRELLAV